The following is an entry in ClinVar:

NM_000277.3(PAH):c.805A>G (p.Ile269Val)

Gene: PAH (phenylalanine hydroxylase; minus strand). Cytogenetic location: 12q23.2.
Variant type: single nucleotide variant.
Coding change: c.805A>G on transcript NM_000277.3 (MANE Select); coding-DNA position 805, A replaced by G.
Protein change: p.Ile269Val; replaces isoleucine 269 with valine.
Molecular consequence: missense variant.
Genome position (GRCh38, 1-based): chr12:102,852,852, T>C on the plus strand (A>G on the coding strand, the complement: PAH is on the minus strand). VCF-style: chr12-102852852-T-C. GRCh37 (hg19) VCF-style: chr12-103246630-T-C.
Other names: c.805A>G, p.Ile269Val (NM_001354304.2); short protein forms I269V.
Identifiers: ClinVar variation 1524199 (VCV001524199.3), dbSNP rs62508692, ClinGen allele CA6748839.
Genomic context (GRCh38, chr12:102,852,852, plus strand): 5'-GGTAGCTGGAGGACAGTACTCACGGTTCGGGGGTATACATGGGCTTGGATCCATGTCTGA[T>C]GTACTGTGTGCAGTGGAAGACTCGGAAGGCCAGGCCACCCAAGAAATCCCGAGAGGAAAG-3'
Protein context (NP_000268.1, residues 259-279): AFRVFHCTQY[Ile269Val]RHGSKPMYTP

ClinVar aggregate classification (germline): Likely pathogenic (1 of 4 stars; one submission).

Conditions:
Phenylketonuria (PKU). Also called: FOLLING DISEASE; Phenylketonurias; OLIGOPHRENIA PHENYLPYRUVICA; Phenylketonuria (PKU). Identifiers: Orphanet 716, MedGen C0031485, MONDO:0009861, OMIM 261600. Disease mechanism: loss of function.

gnomAD v4.1: 46 of 1,613,910 alleles (0.0029%); highest among the groups gnomAD compares: Non-Finnish European, 0.0036%; no homozygotes.

Submission:

Labcorp Genetics (formerly Invitae), Labcorp
Classification: Likely pathogenic for Phenylketonuria. Last evaluated: 2022-07-04. Review status: criteria provided, single submitter. Criteria: Invitae Variant Classification Sherloc (09022015). Collection method: clinical testing. Allele origin: germline.
Comment: This sequence change replaces isoleucine, which is neutral and non-polar, with valine, which is neutral and non-polar, at codon 269 of the PAH protein (p.Ile269Val). This variant is present in population databases (rs62508692, gnomAD 0.01%). This variant has not been reported in the literature in individuals affected with PAH-related conditions. ClinVar contains an entry for this variant (Variation ID: 1524199). Advanced modeling of protein sequence and biophysical properties (such as structural, functional, and spatial information, amino acid conservation, physicochemical variation, residue mobility, and thermodynamic stability) performed at Invitae indicates that this missense variant is expected to disrupt PAH protein function. This variant disrupts the p.Ile269 amino acid residue in PAH. Other variant(s) that disrupt this residue have been determined to be pathogenic (PMID: 9521426, 14726806, 21871829, 23500595). This suggests that this residue is clinically significant, and that variants that disrupt this residue are likely to be disease-causing. In summary, the currently available evidence indicates that the variant is pathogenic, but additional data are needed to prove that conclusively. Therefore, this variant has been classified as Likely Pathogenic.

Literature cited by the submitters: PubMed 9521426; PubMed 14726806; PubMed 21871829; PubMed 23500595.